The following is an entry in ClinVar:

ClinVar aggregate classification (germline): Uncertain significance. Review status: criteria provided, multiple submitters, no conflicts (2 of 4 stars). 3 submissions from 3 submitters: Uncertain significance (3). Last evaluated 2025-12-16.

Conditions:
Oto-palato-digital syndrome, type II (OPD2). Also called: FACIOPALATOOSSEOUS SYNDROME; OPD II SYNDROME; Otopalatodigital Syndrome, Type II; Otopalatodigital Syndrome Type 2 (FLNA-OPD2). Identifiers: Orphanet 669, Orphanet 90652, MedGen C1844696, MONDO:0010571, OMIM 304120.
Frontometaphyseal dysplasia (FMD1). Identifiers: Orphanet 1826, MedGen C0265293, MONDO:0015942.
Melnick-Needles syndrome (MNS). Also called: MELNICK-NEEDLES OSTEODYSPLASTY; OSTEODYSPLASTY OF MELNICK AND NEEDLES; Melnick-Needles Syndrome (FLNA-MNS). Identifiers: Orphanet 2484, MedGen C0025237, MONDO:0010650, OMIM 309350.
Heterotopia, periventricular, X-linked dominant (PVNH1). Also called: PERIVENTRICULAR NODULAR HETEROTOPIA 4; HETEROTOPIA, PERIVENTRICULAR, 1; PERIVENTRICULAR NODULAR HETEROTOPIA 1; X-linked periventricular heterotopia. Identifiers: Orphanet 2149, Orphanet 82004, MedGen C1848213, MONDO:0010233, OMIM 300049.
Familial thoracic aortic aneurysm and aortic dissection (TAAD). Also called: Thoracic aortic aneurysms and dissections. Identifiers: Orphanet 91387, MedGen C4707243, MONDO:0019625.

Allele frequency attached by ClinVar (database versions not stated): gnomAD exomes below 0.00001; ExAC 0.00001.

Submissions (3):

Ambry Genetics
Classification: Uncertain significance for Familial thoracic aortic aneurysm and aortic dissection. Last evaluated: 2025-12-16. Review status: criteria provided, single submitter. Criteria: Ambry Variant Classification Scheme 2023. Collection method: clinical testing. Allele origin: germline.
Comment: The p.G1492D variant (also known as c.4475G>A) is located in coding exon 26 of the FLNA gene. The glycine at codon 1492 is replaced by aspartic acid, an amino acid with similar properties. This change occurs in the first base pair of coding exon 26. Based on data from gnomAD, the A allele has an overall frequency of <0.01% (1/179668) total alleles studied, with 0 hemizygote(s) observed. The highest observed frequency was <0.01% (1/80827) of European (non-Finnish) alleles. This amino acid position is highly conserved in available vertebrate species. In addition, this alteration is predicted to be deleterious by in silico analysis. Based on the available evidence, the clinical significance of this variant remains unclear.

GeneDx
Classification: Uncertain significance. Last evaluated: 2024-03-08. Review status: criteria provided, single submitter. Criteria: GeneDx Variant Classification Process June 2021. Collection method: clinical testing. Allele origin: germline. Affected: yes.
Comment: In silico analysis supports that this missense variant has a deleterious effect on protein structure/function; Has not been previously published as pathogenic or benign to our knowledge

Labcorp Genetics (formerly Invitae), Labcorp
Classification: Uncertain significance for Oto-palato-digital syndrome, type II; Heterotopia, periventricular, X-linked dominant; Frontometaphyseal dysplasia; Melnick-Needles syndrome. Last evaluated: 2024-02-24. Review status: criteria provided, single submitter. Criteria: Invitae Variant Classification Sherloc (09022015). Collection method: clinical testing. Allele origin: germline.
Comment: This sequence change replaces glycine, which is neutral and non-polar, with aspartic acid, which is acidic and polar, at codon 1492 of the FLNA protein (p.Gly1492Asp). The frequency data for this variant in the population databases is considered unreliable, as metrics indicate poor data quality at this position in the gnomAD database. This variant has not been reported in the literature in individuals affected with FLNA-related conditions. ClinVar contains an entry for this variant (Variation ID: 2179600). An algorithm developed to predict the effect of missense changes on protein structure and function (PolyPhen-2) suggests that this variant is likely to be disruptive. In summary, the available evidence is currently insufficient to determine the role of this variant in disease. Therefore, it has been classified as a Variant of Uncertain Significance.

NM_001110556.2(FLNA):c.4475G>A (p.Gly1492Asp)

Gene: FLNA (filamin A; minus strand). Cytogenetic location: Xq28.
Variant type: single nucleotide variant.
Coding change: c.4475G>A on transcript NM_001110556.2 (MANE Select); coding-DNA position 4475, G replaced by A.
Protein change: p.Gly1492Asp; replaces glycine 1492 with aspartic acid.
Molecular consequence: missense variant.
Genome position (GRCh38, 1-based): chrX:154,358,568, C>T on the plus strand (G>A on the coding strand, the complement: FLNA is on the minus strand). VCF-style: chrX-154358568-C-T. GRCh37 (hg19) VCF-style: chrX-153586936-C-T.
Other names: c.4475G>A, p.Gly1492Asp (NM_001456.4); c.4475G>A (NM_001456.3); short protein forms G1492D.
Identifiers: ClinVar variation 2179600 (VCV002179600.6), dbSNP rs782787267, ClinGen allele CA10560520.